The following is an entry in ClinVar:

ClinVar aggregate classification (germline): other (0 of 4 stars; one submission).

Conditions:
Familial colorectal cancer. Identifiers: MedGen CN280943, MONDO:0023113. Disease mechanism: loss of function.

Submission:

Systems Biology Platform Zhejiang California International NanoSystems Institute
Classification: other for Familial colorectal cancer. Review status: no assertion criteria provided. Collection method: not provided. Allele origin: unknown.
ClinVar note: Converted during submission from cancer to other.

NM_001127511.3(APC):c.166-28961T>A

Gene: APC (APC regulator of Wnt signaling pathway; plus strand). Cytogenetic location: 5q22.2.
Variant type: single nucleotide variant.
Coding change: c.166-28961T>A on transcript NM_001127511.3; 28961 bases into the intron before coding-DNA position 166, T replaced by A.
Molecular consequence: intron variant.
Genome position (GRCh38, 1-based): chr5:112,737,365, T>A. VCF-style: chr5-112737365-T-A. GRCh37 (hg19) VCF-style: chr5-112073062-T-A.
Other names: c.166-28961T>A (NM_001407446.1, NM_001354897.2, NM_001354902.2); c.-18-17508T>A (NM_001407448.1, NM_001407450.1, NM_001407457.1 and 7 more transcripts); c.-42-28961T>A (NM_001407453.1); c.-1053-17508T>A (NM_001407470.1, NM_001407472.1).
Identifiers: ClinVar variation 82729 (VCV000082729.4), dbSNP rs78810135, ClinGen allele CA023904.